The following is an entry in ClinVar:

ClinVar aggregate classification (germline): Likely benign (0 of 4 stars; one submission).

Conditions:
SAMD9-related disorder. Also called: SAMD9-related condition.

Allele frequency attached by ClinVar (database versions not stated): gnomAD 0.00001; TOPMed 0.00003.
gnomAD v4.1: 2 of 1,609,390 alleles (0.00012%); highest among the groups gnomAD compares: African/African-American, 0.0027%; no homozygotes.

Submission:

PreventionGenetics, part of Exact Sciences
Classification: Likely benign for SAMD9-related condition. Last evaluated: 2019-06-18. Review status: no assertion criteria provided. Collection method: clinical testing. Allele origin: germline.
Comment: This variant is classified as likely benign based on ACMG/AMP sequence variant interpretation guidelines (Richards et al. 2015 PMID: 25741868, with internal and published modifications).

NM_017654.4(SAMD9):c.*1G>A

Gene: SAMD9 (sterile alpha motif domain containing 9; minus strand). Cytogenetic location: 7q21.2.
Variant type: single nucleotide variant.
Coding change: c.*1G>A on transcript NM_017654.4 (MANE Select); 1 bases downstream of the stop codon, G replaced by A.
Molecular consequence: 3 prime UTR variant.
Genome position (GRCh38, 1-based): chr7:93,101,327, C>T on the plus strand (G>A on the coding strand, the complement: SAMD9 is on the minus strand). VCF-style: chr7-93101327-C-T. GRCh37 (hg19) VCF-style: chr7-92730640-C-T.
Other names: c.*1G>A (NM_001193307.2).
Identifiers: ClinVar variation 3034353 (VCV003034353.2), dbSNP rs984362326, ClinGen allele CA161988960.